The following is an entry in ClinVar:

NM_182924.4(MICALL2):c.1645G>A (p.Gly549Ser)

Gene: MICALL2 (MICAL like 2; minus strand). Cytogenetic location: 7p22.3.
Variant type: single nucleotide variant.
Coding change: c.1645G>A on transcript NM_182924.4 (MANE Select); coding-DNA position 1645, G replaced by A.
Protein change: p.Gly549Ser; replaces glycine 549 with serine.
Molecular consequence: missense variant.
Genome position (GRCh38, 1-based): chr7:1,442,258, C>T on the plus strand (G>A on the coding strand, the complement: MICALL2 is on the minus strand). VCF-style: chr7-1442258-C-T. GRCh37 (hg19) VCF-style: chr7-1481894-C-T.
Other names: short protein forms G549S.
Identifiers: ClinVar variation 4845548 (VCV004845548.1).

ClinVar aggregate classification (germline): Uncertain significance (1 of 4 stars; one submission).

Submission:

Greenwood Genetic Center Diagnostic Laboratories, Greenwood Genetic Center
Classification: Uncertain significance. Last evaluated: 2025-12-18. Review status: criteria provided, single submitter. Criteria: ACMG Guidelines, 2015. Collection method: clinical testing. Allele origin: germline. Affected: yes.
Comment: Gene of Uncertain Significance